The following is an entry in ClinVar:

ClinVar aggregate classification (germline): Uncertain significance (1 of 4 stars; one submission).

Conditions:
Cerebral folate transport deficiency. Also called: FOLATE RECEPTOR DEFICIENCY; Cerebral folate deficiency syndrome; FOLR1-Related Cerebral Folate Transport Deficiency; Neurodegenerative syndrome due to cerebral folate transport deficiency; NEURODEGENERATION DUE TO CEREBRAL FOLATE TRANSPORT DEFICIENCY. Identifiers: Orphanet 217382, MedGen C2751584, MONDO:0013110, OMIM 613068. Disease mechanism: loss of function.

Allele frequency attached by ClinVar (database versions not stated): gnomAD exomes below 0.00001.
gnomAD v4.1: 2 of 1,614,226 alleles (0.00012%); highest among the groups gnomAD compares: Non-Finnish European, 0.00017%; no homozygotes.

Submission:

Labcorp Genetics (formerly Invitae), Labcorp
Classification: Uncertain significance for Cerebral folate transport deficiency. Last evaluated: 2022-03-01. Review status: criteria provided, single submitter. Criteria: Invitae Variant Classification Sherloc (09022015). Collection method: clinical testing. Allele origin: germline.
Comment: In summary, the available evidence is currently insufficient to determine the role of this variant in disease. Therefore, it has been classified as a Variant of Uncertain Significance. This sequence change replaces tryptophan, which is neutral and slightly polar, with arginine, which is basic and polar, at codon 239 of the FOLR1 protein (p.Trp239Arg). This variant is present in population databases (no rsID available, gnomAD 0.002%). This variant has not been reported in the literature in individuals affected with FOLR1-related conditions. Algorithms developed to predict the effect of missense changes on protein structure and function output the following: SIFT: "Tolerated"; PolyPhen-2: "Not Available"; Align-GVGD: "Class C0". The arginine amino acid residue is found in multiple mammalian species, which suggests that this missense change does not adversely affect protein function.

NM_016729.3(FOLR1):c.715T>C (p.Trp239Arg)

Genes: FOLR1-AS1 (FOLR1 antisense RNA 1; minus strand), FOLR1 (folate receptor alpha; plus strand). Cytogenetic location: 11q13.4.
Variant type: single nucleotide variant.
Coding change: c.715T>C on transcript NM_016729.3 (MANE Select); coding-DNA position 715, T replaced by C.
Protein change: p.Trp239Arg; replaces tryptophan 239 with arginine.
Molecular consequence: missense variant.
Genome position (GRCh38, 1-based): chr11:72,196,118, T>C. VCF-style: chr11-72196118-T-C. GRCh37 (hg19) VCF-style: chr11-71907162-T-C.
Other names: c.715T>C, p.Trp239Arg (NM_000802.3, NM_016724.3, NM_016725.3 and 1 more transcripts); short protein forms W239R.
Identifiers: ClinVar variation 2105569 (VCV002105569.4), dbSNP rs1225961772, ClinGen allele CA381735268.